The following is an entry in ClinVar:

ClinVar aggregate classification (germline): Uncertain significance (1 of 4 stars; one submission).

Conditions:
Adenylosuccinate lyase deficiency (ADSLD). Also called: ADSL DEFICIENCY. Identifiers: Orphanet 46, MedGen C0268126, MONDO:0007068, OMIM 103050.

Submission:

Labcorp Genetics (formerly Invitae), Labcorp
Classification: Uncertain significance for Adenylosuccinate lyase deficiency. Last evaluated: 2022-01-17. Review status: criteria provided, single submitter. Criteria: Invitae Variant Classification Sherloc (09022015). Collection method: clinical testing. Allele origin: germline.
Comment: This variant occurs in a non-coding region of the ADSL gene. It does not change the encoded amino acid sequence of the ADSL protein. In summary, the available evidence is currently insufficient to determine the role of this variant in disease. Therefore, it has been classified as a Variant of Uncertain Significance. Experimental studies and prediction algorithms are not available or were not evaluated, and the functional significance of this variant is currently unknown. This variant has not been reported in the literature in individuals affected with ADSL-related conditions. The frequency data for this variant in the population databases is considered unreliable, as metrics indicate insufficient coverage at this position in the gnomAD database.

NC_000022.11:g.40345513A>G

Gene: ADSL (adenylosuccinate lyase; plus strand). Cytogenetic location: 22q13.1.
Variant type: single nucleotide variant.
Genome position: GRCh38 VCF-style: chr22-40345513-A-G. GRCh37 (hg19) VCF-style: chr22-40741517-A-G.
Identifiers: ClinVar variation 2110851 (VCV002110851.5), dbSNP rs988634184, ClinGen allele CA2580099787.
Genomic context (GRCh38, chr22:40,345,513, plus strand): 5'-GATTATAGGCGTGAGTCACCGTGCCCAGCTGAGACACCTGGCTCTTACAGCTCCAGATGA[A>G]CCCTTTCCTGTGTGATCACCCCACTGGCACTCCAGACTGAACAACATAGCAAGACCCTGT-3'